The following is an entry in ClinVar:

NM_001130009.3(GEN1):c.2402C>G (p.Ser801Cys)

Gene: GEN1 (GEN1 Holliday junction 5' flap endonuclease; plus strand). Cytogenetic location: 2p24.2.
Variant type: single nucleotide variant.
Coding change: c.2402C>G on transcript NM_001130009.3 (MANE Select); coding-DNA position 2402, C replaced by G.
Protein change: p.Ser801Cys; replaces serine 801 with cysteine.
Molecular consequence: missense variant.
Genome position (GRCh38, 1-based): chr2:17,781,614, C>G. VCF-style: chr2-17781614-C-G. GRCh37 (hg19) VCF-style: chr2-17962881-C-G.
Other names: c.2402C>G, p.Ser801Cys (NM_182625.5); short protein forms S801C.
Identifiers: ClinVar variation 3853633 (VCV003853633.1).

ClinVar aggregate classification (germline): Uncertain significance (1 of 4 stars; one submission).

gnomAD v4.1: 2 of 1,613,880 alleles (0.00012%); highest among the groups gnomAD compares: African/African-American, 0.0013%; no homozygotes.

Submission:

Ambry Genetics
Classification: Uncertain significance. Last evaluated: 2025-03-14. Review status: criteria provided, single submitter. Criteria: Ambry Variant Classification Scheme 2023. Collection method: clinical testing. Allele origin: germline.
Comment: The p.S801C variant (also known as c.2402C>G), located in coding exon 13 of the GEN1 gene, results from a C to G substitution at nucleotide position 2402. The serine at codon 801 is replaced by cysteine, an amino acid with dissimilar properties. This amino acid position is conserved. In addition, this alteration is predicted to be tolerated by in silico analysis. Based on the available evidence, the clinical significance of this variant remains unclear.